The following is an entry in ClinVar:

NM_032237.5(POMK):c.43C>G (p.Arg15Gly)

Gene: POMK (protein O-mannose kinase; plus strand). Cytogenetic location: 8p11.21.
Variant type: single nucleotide variant.
Coding change: c.43C>G on transcript NM_032237.5 (MANE Select); coding-DNA position 43, C replaced by G.
Protein change: p.Arg15Gly; replaces arginine 15 with glycine.
Molecular consequence: missense variant.
Genome position (GRCh38, 1-based): chr8:43,103,591, C>G. VCF-style: chr8-43103591-C-G. GRCh37 (hg19) VCF-style: chr8-42958734-C-G.
Other names: c.43C>G, p.Arg15Gly (NM_001277971.2); short protein forms R15G.
Identifiers: ClinVar variation 1376882 (VCV001376882.8), dbSNP rs774013796, ClinGen allele CA4736176.
Genomic context (GRCh38, chr8:43,103,591, plus strand): 5'-ATTGCAGAGGCCGTCAACATGGAAAAGCAGCCCCAGAACAGCAGGAGAGGCCTCGCCCCC[C>G]GAGAGGTGCCGCCAGCTGTTGGGCTGCTGCTGATCATGGCCCTGATGAATACTCTGCTCT-3'
Protein context (NP_115613.1, residues 5-25): PQNSRRGLAP[Arg15Gly]EVPPAVGLLL

ClinVar aggregate classification (germline): Uncertain significance (1 of 4 stars; one submission).

Conditions:
Muscular dystrophy-dystroglycanopathy (congenital with brain and eye anomalies), type a, 12 (MDDGA12). Also called: WALKER-WARBURG SYNDROME OR MUSCLE-EYE-BRAIN DISEASE, POMK-RELATED. Identifiers: Orphanet 899, MedGen C3808964, MONDO:0014101, OMIM 615249.
Limb-girdle muscular dystrophy due to POMK deficiency. Also called: Muscular dystrophy-dystroglycanopathy (limb-girdle), type c, 12; MUSCULAR DYSTROPHY-DYSTROGLYCANOPATHY, LIMB-GIRDLE, POMK-RELATED. Identifiers: Orphanet 445110, MedGen C4015184, MONDO:0014489, OMIM 616094.

gnomAD v4.1: 1 of 1,614,160 alleles (0.000062%); highest among the groups gnomAD compares: Non-Finnish European, 0.000085%; no homozygotes.

Submission:

Labcorp Genetics (formerly Invitae), Labcorp
Classification: Uncertain significance for Muscular dystrophy-dystroglycanopathy (congenital with brain and eye anomalies), type a, 12; Limb-girdle muscular dystrophy due to POMK deficiency. Last evaluated: 2022-07-06. Review status: criteria provided, single submitter. Criteria: Invitae Variant Classification Sherloc (09022015). Collection method: clinical testing. Allele origin: germline.
Comment: This variant has not been reported in the literature in individuals affected with POMK-related conditions. In summary, the available evidence is currently insufficient to determine the role of this variant in disease. Therefore, it has been classified as a Variant of Uncertain Significance. Algorithms developed to predict the effect of missense changes on protein structure and function (SIFT, PolyPhen-2, Align-GVGD) all suggest that this variant is likely to be tolerated. ClinVar contains an entry for this variant (Variation ID: 1376882). This variant is present in population databases (rs774013796, gnomAD 0.0009%). This sequence change replaces arginine, which is basic and polar, with glycine, which is neutral and non-polar, at codon 15 of the POMK protein (p.Arg15Gly).